The following is an entry in ClinVar:

NM_001080467.3(MYO5B):c.3302C>T (p.Pro1101Leu)

Gene: MYO5B (myosin VB; minus strand). Cytogenetic location: 18q21.1.
Variant type: single nucleotide variant.
Coding change: c.3302C>T on transcript NM_001080467.3 (MANE Select); coding-DNA position 3302, C replaced by T.
Protein change: p.Pro1101Leu; replaces proline 1101 with leucine.
Molecular consequence: missense variant.
Genome position (GRCh38, 1-based): chr18:49,877,857, G>A on the plus strand (C>T on the coding strand, the complement: MYO5B is on the minus strand). VCF-style: chr18-49877857-G-A. GRCh37 (hg19) VCF-style: chr18-47404227-G-A.
Other names: short protein forms P1101L.
Identifiers: ClinVar variation 4886068 (VCV004886068.2).
Genomic context (GRCh38, chr18:49,877,857, plus strand): 5'-ATCTCAGATGTGGAGATGGAGGGGTAATTGGAGTCAGATTCTAAGCTACTTTGGTTTGAT[G>A]GGTTCCGCCTATGACCTGGAGTTTGCTGTTCAACAAGAAAAACGTGATAGCTCATTAGGA-3'
Protein context (NP_001073936.1, residues 1091-1111): IKQTPGHRRN[Pro1101Leu]SNQSSLESDS

ClinVar aggregate classification (germline): Uncertain significance (1 of 4 stars; one submission).

Submission:

Dasa
Classification: Uncertain significance. Last evaluated: 2026-02-11. Review status: criteria provided, single submitter. Criteria: DASA Assertion Criteria. Collection method: clinical testing. Allele origin: germline.
Comment: NM_001080467.3(MYO5B):c.3302C>T (p.Pro1101Leu) is a missense variant that results in the substitution of proline with leucine. This variant is absent from population databases. The currently available literature and clinical evidence are not sufficient to establish a definitive association between this variant and the reported condition. Therefore, this variant is classified as a variant of uncertain significance.